The following is an entry in ClinVar:

ClinVar aggregate classification (germline): Uncertain significance (1 of 4 stars; one submission).

Conditions:
McCune-Albright syndrome (MAS). Also called: ALBRIGHT SYNDROME; Albright's Syndrome; Albright's disease; McCune-Albright syndrome, somatic, mosaic; Fibrous Dysplasia / McCune-Albright Syndrome. Identifiers: Orphanet 562, MedGen C0242292, MONDO:0018919, OMIM 174800.

gnomAD v4.1: 3 of 1,580,446 alleles (0.00019%); highest among the groups gnomAD compares: Non-Finnish European, 0.00026%; no homozygotes.

Submission:

Clinical Genomics Laboratory, Washington University in St. Louis
Classification: Uncertain significance for McCune-Albright syndrome. Last evaluated: 2025-08-02. Review status: criteria provided, single submitter. Criteria: Leon-Quintero et al. (Clin Genet. 2025). Collection method: clinical testing. Allele origin: somatic. Affected: yes.
Comment: A GNAS c.1076C>T(p.Thr359Ile) variant was identified at a near heterozygous allelic fraction of 47.6%, a percentage which may be consistent with it being of germline origin. This variant, to our knowledge, has not been reported in the medical literature. This variant is only observed in 3/1,580,446 alleles in the general population (gnomAD v4.1.0), indicating it is not a common variant. Computational predictors are uncertain as to the impact of this variant on GNAS function. Please note that this variant was not found in the canonical transcript, rather in an alternate transcript. Due to limited information, and based on an internally developed protocol informed by the ACMG/AMP guidelines (Leon-Quintero FZ, et al., PMID: 39434542), the clinical significance of this variant is uncertain at this time.

NM_080425.4(GNAS):c.1263C>T (p.Asp421=)

Gene: GNAS (GNAS complex locus; plus strand). Cytogenetic location: 20q13.32.
Variant type: single nucleotide variant.
Coding change: c.1263C>T on transcript NM_080425.4 (MANE Plus Clinical); coding-DNA position 1263, C replaced by T.
Protein change: p.Asp421=; no amino-acid change (aspartic acid 421 retained).
Molecular consequence: synonymous variant. On other transcripts: missense variant (2), intron variant (3).
Genome position (GRCh38, 1-based): chr20:58,854,528, C>T. VCF-style: chr20-58854528-C-T. GRCh37 (hg19) VCF-style: chr20-57429583-C-T.
Other names: c.1076C>T, p.Thr359Ile (NM_001077490.3, NM_001309883.1); c.1263C>T, p.Asp421= (NM_001410913.1); c.*42+13642C>T (NM_016592.5); c.43+13642C>T (NM_001410912.1); c.-39+12653C>T (NM_001309861.2); short protein forms T359I.
Identifiers: ClinVar variation 4279991 (VCV004279991.1).